The following is an entry in ClinVar:

ClinVar aggregate classification (germline): Likely benign. Review status: criteria provided, multiple submitters, no conflicts (2 of 4 stars). 2 submissions from 2 submitters: Likely benign (2). Last evaluated 2025-09-11.

Conditions:
Autoimmune interstitial lung disease-arthritis syndrome. Also called: Autoinflammation and autoimmunity, systemic, with immune dysregulation. Identifiers: Orphanet 444092, MedGen C5975714, MONDO:0014629.

Allele frequency attached by ClinVar (database versions not stated): gnomAD exomes 0.00001 and 0.00002; ExAC 0.00003; TOPMed 0.00004.
gnomAD v4.1: 21 of 1,614,190 alleles (0.0013%); highest among the groups gnomAD compares: Admixed American, 0.01%; no homozygotes.

Submissions (2):

Labcorp Genetics (formerly Invitae), Labcorp
Classification: Likely benign for Autoimmune interstitial lung disease-arthritis syndrome. Last evaluated: 2025-09-11. Review status: criteria provided, single submitter. Criteria: Invitae Variant Classification Sherloc (09022015). Collection method: clinical testing. Allele origin: germline.

CeGaT Center for Human Genetics Tuebingen
Classification: Likely benign. Last evaluated: 2022-05-01. Review status: criteria provided, single submitter. Criteria: CeGaT Center For Human Genetics Tuebingen Variant Classification Criteria Version 2. Collection method: clinical testing. Allele origin: germline. Affected: yes. Observed: 1 variant allele.
Comment: COPA: BP4, BP7

NM_004371.4(COPA):c.2775G>A (p.Gln925=)

Gene: COPA (coat protein complex I subunit alpha; minus strand). Cytogenetic location: 1q23.2.
Variant type: single nucleotide variant.
Coding change: c.2775G>A on transcript NM_004371.4 (MANE Select); coding-DNA position 2775, G replaced by A.
Protein change: p.Gln925=; no amino-acid change (glutamine 925 retained).
Molecular consequence: synonymous variant.
Genome position (GRCh38, 1-based): chr1:160,293,214, C>T on the plus strand (G>A on the coding strand, the complement: COPA is on the minus strand). VCF-style: chr1-160293214-C-T. GRCh37 (hg19) VCF-style: chr1-160263004-C-T.
Other names: c.2802G>A, p.Gln934= (NM_001098398.2).
Identifiers: ClinVar variation 1588075 (VCV001588075.32), dbSNP rs761577917, ClinGen allele CA1197780.
Genomic context (GRCh38, chr1:160,293,214, plus strand): 5'-AAGGTTACTTACCCGCATGGCTGTTTCGAAAGAGCCTGCCAGGATGTGATCAACTGGAAG[C>T]TGAGAGTTATTACACCAGATCTAACAAGAAACAAAAAAACCCAAGCCAAGTGAAACTTTG-3'
Protein context (NP_004362.2, residues 915-935): SPTQIWCNNS[Gln925=]LPVDHILAGS